The following is an entry in ClinVar:

NM_147127.5(EVC2):c.1886+68C>T

Gene: EVC2 (EvC ciliary complex subunit 2; minus strand). Cytogenetic location: 4p16.2.
Variant type: single nucleotide variant.
Coding change: c.1886+68C>T on transcript NM_147127.5 (MANE Select); 68 bases into the intron after coding-DNA position 1886, C replaced by T.
Molecular consequence: intron variant.
Genome position (GRCh38, 1-based): chr4:5,628,491, G>A on the plus strand (C>T on the coding strand, the complement: EVC2 is on the minus strand). VCF-style: chr4-5628491-G-A. GRCh37 (hg19) VCF-style: chr4-5630218-G-A.
Other names: c.1646+68C>T (NM_001166136.2).
Identifiers: ClinVar variation 680153 (VCV000680153.1), dbSNP rs114678224, ClinGen allele CA91705154.

ClinVar aggregate classification (germline): Likely benign (1 of 4 stars; one submission).

Allele frequency attached by ClinVar (database versions not stated): gnomAD 0.00540 and 0.00565; TOPMed 0.00638; 1000 Genomes Project 0.00819; 1000 Genomes Project 30x 0.00874.
gnomAD v4.1: 1,555 of 1,571,054 alleles (0.099%); highest among the groups gnomAD compares: African/African-American, 1.8%; 14 homozygotes.

Submission:

GeneDx
Classification: Likely benign. Last evaluated: 2018-06-14. Review status: criteria provided, single submitter. Criteria: GeneDx Variant Classification (06012015). Collection method: clinical testing. Allele origin: germline. Affected: yes.
Comment: This variant is considered likely benign or benign based on one or more of the following criteria: it is a conservative change, it occurs at a poorly conserved position in the protein, it is predicted to be benign by multiple in silico algorithms, and/or has population frequency not consistent with disease.